The following is an entry in ClinVar:

ClinVar aggregate classification (germline): Uncertain significance. Review status: criteria provided, multiple submitters, no conflicts (2 of 4 stars). 2 submissions from 2 submitters: Uncertain significance (2). Last evaluated 2025-08-15.

Conditions:
Dyskeratosis congenita, autosomal recessive 5 (DKCB5). Identifiers: MedGen C3554656, MONDO:0014076, OMIM 615190.
Pulmonary fibrosis and/or bone marrow failure, Telomere-related, 3. Also called: PULMONARY FIBROSIS AND/OR BONE MARROW FAILURE SYNDROME, TELOMERE-RELATED, 3. Identifiers: Orphanet 2032, MedGen C4225346, MONDO:0014613, OMIM 616373.
Inborn genetic diseases. Identifiers: MedGen C0950123, MeSH D030342.

Allele frequency attached by ClinVar (database versions not stated): gnomAD exomes below 0.00001; gnomAD 0.00001.
gnomAD v4.1: 2 of 1,611,176 alleles (0.00012%); highest among the groups gnomAD compares: East Asian, 0.0022%; no homozygotes.

Submissions (2):

Labcorp Genetics (formerly Invitae), Labcorp
Classification: Uncertain significance for Dyskeratosis congenita, autosomal recessive 5; Pulmonary fibrosis and/or bone marrow failure, Telomere-related, 3. Last evaluated: 2025-08-15. Review status: criteria provided, single submitter. Criteria: Invitae Variant Classification Sherloc (09022015). Collection method: clinical testing. Allele origin: germline.
Comment: This sequence change replaces threonine, which is neutral and polar, with methionine, which is neutral and non-polar, at codon 644 of the RTEL1 protein (p.Thr644Met). This variant is present in population databases (no rsID available, gnomAD 0.01%). This variant has not been reported in the literature in individuals affected with RTEL1-related conditions. ClinVar contains an entry for this variant (Variation ID: 1466961). An algorithm developed to predict the effect of missense changes on protein structure and function (PolyPhen-2) suggests that this variant is likely to be disruptive. In summary, the available evidence is currently insufficient to determine the role of this variant in disease. Therefore, it has been classified as a Variant of Uncertain Significance.

Ambry Genetics
Classification: Uncertain significance for Inborn genetic diseases. Last evaluated: 2024-12-10. Review status: criteria provided, single submitter. Criteria: Ambry Variant Classification Scheme 2023. Collection method: clinical testing. Allele origin: germline.

NM_001283009.2(RTEL1):c.1931C>T (p.Thr644Met)

Genes: RTEL1-TNFRSF6B (RTEL1-TNFRSF6B readthrough (NMD candidate); plus strand), RTEL1 (regulator of telomere elongation helicase 1; plus strand). Cytogenetic location: 20q13.33.
Variant type: single nucleotide variant.
Coding change: c.1931C>T on transcript NM_001283009.2 (MANE Select); coding-DNA position 1931, C replaced by T.
Protein change: p.Thr644Met; replaces threonine 644 with methionine.
Molecular consequence: missense variant. On other transcripts: non-coding transcript variant (1).
Genome position (GRCh38, 1-based): chr20:63,689,554, C>T. VCF-style: chr20-63689554-C-T. GRCh37 (hg19) VCF-style: chr20-62320907-C-T.
Other names: c.2003C>T (NM_032957.4); c.1262C>T, p.Thr421Met (NM_001283010.1); c.1931C>T, p.Thr644Met (NM_016434.4); c.2003C>T, p.Thr668Met (NM_032957.5); short protein forms T421M, T644M, T668M.
Identifiers: ClinVar variation 1466961 (VCV001466961.8), dbSNP rs1258123825, ClinGen allele CA409678773.